The following is an entry in ClinVar:

NM_006593.4(TBR1):c.1094A>G (p.Gln365Arg)

Gene: TBR1 (T-box brain transcription factor 1; plus strand). Cytogenetic location: 2q24.2.
Variant type: single nucleotide variant.
Coding change: c.1094A>G on transcript NM_006593.4 (MANE Select); coding-DNA position 1094, A replaced by G.
Protein change: p.Gln365Arg; replaces glutamine 365 with arginine.
Molecular consequence: missense variant.
Genome position (GRCh38, 1-based): chr2:161,419,016, A>G. VCF-style: chr2-161419016-A-G. GRCh37 (hg19) VCF-style: chr2-162275527-A-G.
Other names: short protein forms Q365R.
Identifiers: ClinVar variation 2444590 (VCV002444590.2), dbSNP rs2468093874, ClinGen allele CA349212935.

ClinVar aggregate classification (germline): Uncertain significance (1 of 4 stars; one submission).

Allele frequency attached by ClinVar (database versions not stated): gnomAD exomes below 0.00001.
gnomAD v4.1: 1 of 1,614,198 alleles (0.000062%); highest among the groups gnomAD compares: Non-Finnish European, 0.000085%; no homozygotes.

Submission:

GeneDx
Classification: Uncertain significance. Last evaluated: 2024-10-22. Review status: criteria provided, single submitter. Criteria: GeneDx Variant Classification Process June 2021. Collection method: clinical testing. Allele origin: germline.
Comment: Not observed at significant frequency in large population cohorts (gnomAD); In silico analysis supports that this missense variant has a deleterious effect on protein structure/function; Has not been previously published as pathogenic or benign to our knowledge